The following is an entry in ClinVar:

NM_003126.4(SPTA1):c.4605+4del

Gene: SPTA1 (spectrin alpha, erythrocytic 1; minus strand). Cytogenetic location: 1q23.1.
Variant type: Deletion.
Coding change: c.4605+4del on transcript NM_003126.4 (MANE Select); 4 bases into the intron after coding-DNA position 4605, one base deleted (A; older notation c.4605+4delA).
Molecular consequence: intron variant.
Genome position (GRCh38, 1-based): chr1:158,642,810, T deleted on the plus strand (A on the coding strand, the reverse complement: SPTA1 is on the minus strand); the first of 2 consecutive T bases (chr1:158,642,810-158,642,811); deleting either gives the same sequence. VCF-style (leftmost placement, unchanged base first): chr1-158642809-CT-C. GRCh37 (hg19) VCF-style: chr1-158612599-CT-C.
Identifiers: ClinVar variation 1162864 (VCV001162864.7), dbSNP rs756036039, ClinGen allele CA1182644.
Genomic context (GRCh38, chr1:158,642,809, plus strand): 5'-TGATGACTATCCAACCAACAAGCTCGGAATGGTGAAATTTTCCAAGATTCCTATTTTGAA[CT>C]TGCCTGAATGTTAGTGGCGTCTTTGTAGGATTCATCACAGGCTGTGGGCAGCATCTCACT-3'

ClinVar aggregate classification (germline): Uncertain significance. Review status: criteria provided, multiple submitters, no conflicts (2 of 4 stars). 2 submissions from 2 submitters: Uncertain significance (2). Last evaluated 2024-12-31.

Submissions (2):

Labcorp Genetics (formerly Invitae), Labcorp
Classification: Uncertain significance. Last evaluated: 2024-12-31. Review status: criteria provided, single submitter. Criteria: Invitae Variant Classification Sherloc (09022015). Collection method: clinical testing. Allele origin: germline.
Comment: This sequence change falls in intron 32 of the SPTA1 gene. It does not directly change the encoded amino acid sequence of the SPTA1 protein. It affects a nucleotide within the consensus splice site. This variant is present in population databases (rs756036039, gnomAD 0.0009%). This variant has not been reported in the literature in individuals affected with SPTA1-related conditions. ClinVar contains an entry for this variant (Variation ID: 1162864). Variants that disrupt the consensus splice site are a relatively common cause of aberrant splicing (PMID: 17576681, 9536098). Algorithms developed to predict the effect of sequence changes on RNA splicing suggest that this variant may disrupt the consensus splice site. In summary, the available evidence is currently insufficient to determine the role of this variant in disease. Therefore, it has been classified as a Variant of Uncertain Significance.

Mayo Clinic Laboratories, Mayo Clinic
Classification: Uncertain significance. Last evaluated: 2020-11-17. Review status: criteria provided, single submitter. Criteria: ACMG Guidelines, 2015. Collection method: clinical testing. Allele origin: germline. Observed: 1 variant allele.

Literature cited by the submitters: PubMed 17576681 (cited by Labcorp Genetics (formerly Invitae), Labcorp); PubMed 9536098 (cited by Labcorp Genetics (formerly Invitae), Labcorp).